The following is an entry in ClinVar:

ClinVar aggregate classification (germline): Likely benign. Review status: criteria provided, multiple submitters, no conflicts (2 of 4 stars). 6 submissions from 6 submitters: Likely benign (6). Last evaluated 2026-01-20.

Conditions:
Pulmonary hypertension, primary, 2. Identifiers: Orphanet 422, MedGen C3888002, MONDO:0014134, OMIM 615342.

Allele frequency attached by ClinVar (database versions not stated): 1000 Genomes Project 0.00020; 1000 Genomes Project 30x 0.00031; ExAC 0.00115; gnomAD exomes 0.00115; gnomAD 0.00145 and 0.00146; TOPMed 0.00155; ESP Exome Variant Server 0.00246.
gnomAD v4.1: 4,095 of 1,613,992 alleles (0.25%); highest among the groups gnomAD compares: Non-Finnish European, 0.32%; 7 homozygotes.

Submissions (6):

Labcorp Genetics (formerly Invitae), Labcorp
Classification: Likely benign for Pulmonary hypertension, primary, 2. Last evaluated: 2026-01-20. Review status: criteria provided, single submitter. Criteria: Invitae Variant Classification Sherloc (09022015). Collection method: clinical testing. Allele origin: germline.

Blueprint Genetics
Classification: Likely benign. Last evaluated: 2024-10-31. Review status: criteria provided, single submitter. Criteria: ACMG Guidelines, 2015. Collection method: clinical testing. Allele origin: germline.

ARUP Laboratories, Molecular Genetics and Genomics, ARUP Laboratories
Classification: Likely benign for Pulmonary hypertension, primary, 2. Last evaluated: 2023-03-20. Review status: criteria provided, single submitter. Criteria: ARUP Molecular Germline Variant Investigation Process 2024. Collection method: clinical testing. Allele origin: germline.

Eurofins Ntd Llc (ga)
Classification: Likely benign. Last evaluated: 2018-01-16. Review status: criteria provided, single submitter. Criteria: EGL Classification Definitions 2015. Collection method: clinical testing. Allele origin: germline. Observed: 1 variant allele, 1 heterozygote.

Laboratory for Molecular Medicine, Mass General Brigham Personalized Medicine
Classification: Likely benign. Last evaluated: 2015-09-30. Review status: criteria provided, single submitter. Criteria: LMM Criteria. Collection method: clinical testing. Allele origin: germline. Observed: 1 variant allele.
Comment: p.Ala163Thr in exon 3 of SMAD9: This variant is not expected to have clinical si gnificance because it has been identified in 0.2% (116/66698) of European chromo somes by the Exome Aggregation Consortium (ExAC; dbSNP rs61753157).

GeneDx
Classification: Likely benign. Last evaluated: 2013-10-24. Review status: criteria provided, single submitter. Criteria: GeneDx Variant Classification (06012015). Collection method: clinical testing. Allele origin: germline. Affected: yes.
Comment: This variant is considered likely benign or benign based on one or more of the following criteria: it is a conservative change, it occurs at a poorly conserved position in the protein, it is predicted to be benign by multiple in silico algorithms, and/or has population frequency not consistent with disease.

NM_001127217.3(SMAD9):c.487G>A (p.Ala163Thr)

Gene: SMAD9 (SMAD family member 9; minus strand). Cytogenetic location: 13q13.3.
Variant type: single nucleotide variant.
Coding change: c.487G>A on transcript NM_001127217.3 (MANE Select); coding-DNA position 487, G replaced by A.
Protein change: p.Ala163Thr; replaces alanine 163 with threonine.
Molecular consequence: missense variant.
Genome position (GRCh38, 1-based): chr13:36,872,841, C>T on the plus strand (G>A on the coding strand, the complement: SMAD9 is on the minus strand). VCF-style: chr13-36872841-C-T. GRCh37 (hg19) VCF-style: chr13-37446978-C-T.
Other names: p.A163T:GCC>ACC; c.487G>A, p.Ala163Thr (NM_001378621.1, NM_005905.6); short protein forms A163T.
Identifiers: ClinVar variation 213810 (VCV000213810.28), dbSNP rs61753157, ClinGen allele CA321968.